The following is an entry in ClinVar:

NM_003119.4(SPG7):c.2249C>T (p.Pro750Leu)

Gene: SPG7 (SPG7 matrix AAA peptidase subunit, paraplegin; plus strand). Cytogenetic location: 16q24.3.
Variant type: single nucleotide variant.
Coding change: c.2249C>T on transcript NM_003119.4 (MANE Select); coding-DNA position 2249, C replaced by T.
Protein change: p.Pro750Leu; replaces proline 750 with leucine.
Molecular consequence: missense variant. On other transcripts: 3 prime UTR variant (1).
Genome position (GRCh38, 1-based): chr16:89,556,954, C>T. VCF-style: chr16-89556954-C-T. GRCh37 (hg19) VCF-style: chr16-89623362-C-T.
Other names: c.*27C>T (NM_001363850.1); short protein forms P750L.
Identifiers: ClinVar variation 217268 (VCV000217268.9), dbSNP rs879253797, ClinGen allele CA10575797.

ClinVar aggregate classification (germline): Pathogenic/Likely pathogenic. Review status: criteria provided, multiple submitters, no conflicts (2 of 4 stars). 7 submissions from 7 submitters: Pathogenic (3); Likely pathogenic (3). 1 of the submissions does not count toward it. Last evaluated 2023-03-15.

Conditions:
SPG7-related disorder. Also called: SPG7-related condition.
Hereditary spastic paraplegia. Also called: Familial spastic paraparesis. Identifiers: Orphanet 685, MedGen C0037773, MONDO:0019064. Disease mechanism: loss of function.
Hereditary spastic paraplegia 7 (SPG7). Also called: Spastic paraplegia 7; Hereditary spastic paraplegia Paraplegin type; Autosomal recessive spastic paraplegia type 7; SPASTIC PARAPLEGIA 7, AUTOSOMAL RECESSIVE, WITH OR WITHOUT CEREBELLAR ATAXIA; SPG7-related neurologic disorder. Identifiers: Orphanet 99013, MedGen C1846564, MONDO:0011803, OMIM 607259.
Type 2 diabetes mellitus. Also called: Type II diabetes mellitus. Identifiers: MedGen C0011860, MeSH D003924, MONDO:0005148, OMIM 125853, HP:0005978.

Allele frequency attached by ClinVar (database versions not stated): gnomAD 0.00001; gnomAD exomes 0.00001; TOPMed 0.00001.
gnomAD v4.1: 11 of 1,613,906 alleles (0.00068%); highest among the groups gnomAD compares: Admixed American, 0.0033%; no homozygotes.

Submissions (7):

Women's Health and Genetics/Laboratory Corporation of America, LabCorp
Classification: Pathogenic for Hereditary spastic paraplegia 7. Last evaluated: 2023-03-15. Review status: criteria provided, single submitter. Criteria: LabCorp Variant Classification Summary - May 2015. Collection method: clinical testing. Allele origin: germline.
Comment: Variant summary: SPG7 c.2249C>T (p.Pro750Leu) results in a non-conservative amino acid change in the encoded protein sequence. Four of four in-silico tools predict a damaging effect of the variant on protein function. The variant was absent in 251330 control chromosomes (gnomAD). c.2249C>T has been reported in the literature in compound heterozygous individuals affected with Hereditary Spastic Paraplegia 7 (Klebe_2012), spastic ataxia (Choquet_2015), and ataxia (Coutelier_2017). To our knowledge, no experimental evidence demonstrating an impact on protein function has been reported. Two submitters have provided clinical-significance assessments for this variant to ClinVar after 2014 without evidence for independent evaluation, and classified the variant as pathogenic/likely pathogenic. Based on the evidence outlined above, the variant was classified as pathogenic.

Blueprint Genetics
Classification: Likely pathogenic for SPG7-related disorders. Last evaluated: 2022-05-30. Review status: criteria provided, single submitter. Criteria: ACMG Guidelines, 2015. Collection method: clinical testing. Allele origin: germline. Affected: yes. Observed: 3 variant alleles.

Mendelics
Classification: Pathogenic for Hereditary spastic paraplegia 7. Last evaluated: 2022-05-04. Review status: criteria provided, single submitter. Criteria: Mendelics Assertion Criteria 2019. Collection method: clinical testing. Allele origin: germline.

PROSPAX: an integrated multimodal progression  chart in spastic ataxias, Center for Neurology; Hertie-Institute for Clinical Brain Research
Classification: Likely pathogenic for Hereditary spastic paraplegia 7. Last evaluated: 2022-01-01. Review status: criteria provided, single submitter. Criteria: ACMG Guidelines, 2015. Collection method: research. Allele origin: germline. Affected: yes. Observed: 1 variant allele, 1 compound heterozygote.

Genome Diagnostics Laboratory, The Hospital for Sick Children
Classification: Likely pathogenic for Hereditary spastic paraplegia. Last evaluated: 2019-03-01. Review status: criteria provided, single submitter. Criteria: ACMG Guidelines, 2015. Collection method: clinical testing. Allele origin: germline. Affected: yes.

Neurogenetics of motion laboratory, Montreal Neurological Institute
Classification: Pathogenic for Spastic paraplegia 7. Review status: criteria provided, single submitter. Criteria: ACMG Guidelines, 2015. Collection method: case-control. Allele origin: germline. Affected: yes. Observed: 7 compound heterozygotes. Clinical features observed: Ataxia, Spasticity, Dysarthria, Nystagmus. Study: Care4Rare - Neurogenetics of motion laboratory. Segregation with disease observed.

Gene Friend Way, National Innovation Center
Classification: Likely pathogenic for Type 2 diabetes mellitus. Last evaluated: 2025-01-01. Review status: no assertion criteria provided. Collection method: clinical testing. Allele origin: unknown. Affected: yes. Observed: 1 variant allele. Not counted in ClinVar's aggregate classification.
Comment: In silico tools predict a damaging effect of the variant on protein function. A specific variant in the SPG7 gene, SPG7 Q688, has been linked to type 2 diabetes (PMID: 24767997).

Literature cited by the submitters: PubMed 28444220 (cited by Women's Health and Genetics/Laboratory Corporation of America, LabCorp); PubMed 30533525 (cited by Women's Health and Genetics/Laboratory Corporation of America, LabCorp); PubMed 23065789 (cited by Women's Health and Genetics/Laboratory Corporation of America, LabCorp); PubMed 26626314 (cited by Women's Health and Genetics/Laboratory Corporation of America, LabCorp and Neurogenetics of motion laboratory, Montreal Neurological Institute); PubMed 24767997 (cited by Gene Friend Way, National Innovation Center).